The following is an entry in ClinVar:

NM_000124.4(ERCC6):c.1214_1215insCTGGCACTTTCTT (p.Lys405fs)

Genes: PGBD3 (piggyBac transposable element derived 3; minus strand), ERCC6 (ERCC excision repair 6, chromatin remodeling factor; minus strand). Cytogenetic location: 10q11.23.
Variant type: Insertion.
Coding change: c.1214_1215insCTGGCACTTTCTT on transcript NM_000124.4 (MANE Select); coding-DNA positions 1214 to 1215, CTGGCACTTTCTT inserted.
Protein change: p.Lys405fs; shifts the reading frame from lysine 405.
Molecular consequence: frameshift variant. On other transcripts: 5 prime UTR variant (1).
Genome position: GRCh38 VCF-style: chr10-49524215-C-CAAGAAAGTGCCAG. GRCh37 (hg19) VCF-style: chr10-50732261-C-CAAGAAAGTGCCAG.
Other names: c.1214_1215insCTGGCACTTTCTT, p.Lys405fs (NM_001277058.2, NM_001277059.2, NM_001346440.2); c.-191_-190insCTGGCACTTTCTT (NM_170753.3); short protein forms K405fs.
Identifiers: ClinVar variation 1726063 (VCV001726063.2), dbSNP rs2496138663, ClinGen allele CA2580081554.
Genomic context (GRCh38, chr10:49,524,215, plus strand): 5'-GTCATCATCAATCTCCTGCACTGGCACTTTCTTCTGCCGTTTCCCGCCCTTGGGCAGAGG[C>CAAGAAAGTGCCAG]TTCAGCTCATAGTCAGTACCATCTCCAGACAGGTCCGCCTCTGCCCCCTCCACCTCGTCA-3'

ClinVar aggregate classification (germline): Likely pathogenic (1 of 4 stars; one submission).

Conditions:
Cockayne syndrome type 2 (CSB). Also called: COCKAYNE SYNDROME B; Cockayne Syndrome, Type II. Identifiers: Orphanet 191, Orphanet 90322, MedGen C0751038, MONDO:0019570, OMIM 133540.

Submission:

Myriad Genetics, Inc.
Classification: Likely pathogenic for Cockayne syndrome type 2. Last evaluated: 2022-05-15. Review status: criteria provided, single submitter. Criteria: Myriad Women's Health Autosomal Recessive and X-Linked Classification Criteria (2021). Collection method: clinical testing. Allele origin: unknown.
Comment: NM_000124.2(ERCC6):c.1214_1215ins13(K405Nfs*23) is expected to be pathogenic in the context of ERCC6-related disorders. This variant is predicted to lead to an abnormal or absent protein product due to the creation of a premature termination codon in ERCC6, a gene where loss-of-function variants are known to be pathogenic. Please note: this variant was assessed in the context of healthy population screening.